The following is an entry in ClinVar:

NM_004260.4(RECQL4):c.1284T>C (p.Val428=)

Gene: RECQL4 (RecQ like helicase 4; minus strand). Cytogenetic location: 8q24.3.
Variant type: single nucleotide variant.
Coding change: c.1284T>C on transcript NM_004260.4 (MANE Select); coding-DNA position 1284, T replaced by C.
Protein change: p.Val428=; no amino-acid change (valine 428 retained).
Molecular consequence: synonymous variant.
Genome position (GRCh38, 1-based): chr8:144,515,432, A>G on the plus strand (T>C on the coding strand, the complement: RECQL4 is on the minus strand). VCF-style: chr8-144515432-A-G. GRCh37 (hg19) VCF-style: chr8-145740816-A-G.
Identifiers: ClinVar variation 414186 (VCV000414186.36), dbSNP rs766635144, ClinGen allele CA4948923.

ClinVar aggregate classification (germline): Likely benign. Review status: criteria provided, multiple submitters, no conflicts (2 of 4 stars). 5 submissions from 5 submitters: Likely benign (5). Last evaluated 2025-11-23.

Conditions:
Inborn genetic diseases. Identifiers: MedGen C0950123, MeSH D030342.
Hereditary cancer-predisposing syndrome. Also called: Tumor predisposition; Hereditary neoplastic syndrome; Hereditary Cancer Syndrome; Neoplastic Syndromes, Hereditary. Identifiers: Orphanet 140162, MedGen C0027672, MeSH D009386, MONDO:0015356.
Baller-Gerold syndrome (BGS). Also called: CRANIOSYNOSTOSIS WITH RADIAL DEFECTS. Identifiers: Orphanet 1225, MedGen C0265308, MONDO:0009039, OMIM 218600.

Allele frequency attached by ClinVar (database versions not stated): gnomAD exomes 0.00003 and 0.00009; gnomAD 0.00006; TOPMed 0.00006; ExAC 0.00008.
gnomAD v4.1: 56 of 1,612,686 alleles (0.0035%); highest among the groups gnomAD compares: Admixed American, 0.0083%; 1 homozygote.

Submissions (5):

Labcorp Genetics (formerly Invitae), Labcorp
Classification: Likely benign for Baller-Gerold syndrome. Last evaluated: 2025-11-23. Review status: criteria provided, single submitter. Criteria: Invitae Variant Classification Sherloc (09022015). Collection method: clinical testing. Allele origin: germline.

Ambry Genetics
Classification: Likely benign for Inborn genetic diseases. Last evaluated: 2024-11-18. Review status: criteria provided, single submitter. Criteria: Ambry Variant Classification Scheme 2023. Collection method: clinical testing. Allele origin: germline.

CeGaT Center for Human Genetics Tuebingen
Classification: Likely benign. Last evaluated: 2024-01-01. Review status: criteria provided, single submitter. Criteria: CeGaT Center For Human Genetics Tuebingen Variant Classification Criteria Version 2. Collection method: clinical testing. Allele origin: germline. Affected: yes. Observed: 1 variant allele.
Comment: RECQL4: BP4, BP7

Blueprint Genetics
Classification: Likely benign. Last evaluated: 2023-12-22. Review status: criteria provided, single submitter. Criteria: ACMG Guidelines, 2015. Collection method: clinical testing. Allele origin: germline.

Sema4
Classification: Likely benign for Hereditary cancer-predisposing syndrome. Last evaluated: 2021-06-15. Review status: criteria provided, single submitter. Criteria: Sema4 Curation Guidelines. Collection method: curation. Allele origin: germline.